The following is an entry in ClinVar:

NM_004104.5(FASN):c.5720G>A (p.Arg1907His)

Gene: FASN (fatty acid synthase; minus strand). Cytogenetic location: 17q25.3.
Variant type: single nucleotide variant.
Coding change: c.5720G>A on transcript NM_004104.5 (MANE Select); coding-DNA position 5720, G replaced by A.
Protein change: p.Arg1907His; replaces arginine 1907 with histidine.
Molecular consequence: missense variant.
Genome position (GRCh38, 1-based): chr17:82,082,961, C>T on the plus strand (G>A on the coding strand, the complement: FASN is on the minus strand). VCF-style: chr17-82082961-C-T. GRCh37 (hg19) VCF-style: chr17-80040837-C-T.
Other names: short protein forms R1907H.
Identifiers: ClinVar variation 1384030 (VCV001384030.6), dbSNP rs142766883, ClinGen allele CA8851587.

ClinVar aggregate classification (germline): Uncertain significance (1 of 4 stars; one submission).

Conditions:
Epileptic encephalopathy. Identifiers: MedGen C0543888, HP:0200134.

Allele frequency attached by ClinVar (database versions not stated): ExAC 0.00001; gnomAD exomes 0.00002 and 0.00003; gnomAD 0.00004; TOPMed 0.00004; ESP Exome Variant Server 0.00008.
gnomAD v4.1: 49 of 1,612,724 alleles (0.003%); highest among the groups gnomAD compares: East Asian, 0.0067%; no homozygotes.

Submission:

Labcorp Genetics (formerly Invitae), Labcorp
Classification: Uncertain significance for Epileptic encephalopathy. Last evaluated: 2024-11-18. Review status: criteria provided, single submitter. Criteria: Invitae Variant Classification Sherloc (09022015). Collection method: clinical testing. Allele origin: germline.
Comment: This sequence change replaces arginine, which is basic and polar, with histidine, which is basic and polar, at codon 1907 of the FASN protein (p.Arg1907His). This variant is present in population databases (rs142766883, gnomAD 0.005%). This missense change has been observed in individual(s) with neurodevelopmental disorder (PMID: 33057194, 35982159). ClinVar contains an entry for this variant (Variation ID: 1384030). An algorithm developed to predict the effect of missense changes on protein structure and function (PolyPhen-2) suggests that this variant is likely to be disruptive. In summary, the available evidence is currently insufficient to determine the role of this variant in disease. Therefore, it has been classified as a Variant of Uncertain Significance.

Literature cited by the submitters: PubMed 33057194; PubMed 35982159.